The following is an entry in ClinVar:

Conditions:
Breast-ovarian cancer, familial, susceptibility to, 1 (BROVCA1). Also called: BRCA1 Hereditary Breast and Ovarian Cancer; OVARIAN CANCER, SUSCEPTIBILITY TO. Identifiers: Orphanet 145, MedGen C2676676, MONDO:0011450, OMIM 604370. Disease mechanism: loss of function.

Submission:

Brotman Baty Institute, University of Washington
No classification provided (evidence only). Condition: Breast-ovarian cancer, familial 1. Review status: no classification provided. Collection method: in vitro. Allele origin: not applicable. Functional consequence: functionally_normal.
ClinVar note: "not provided" was previously submitted as the classification for the variant. However, the classification appeared to be based only on an observation of functional data so it was converted to no classification on 2025-07-30.

NM_007294.4(BRCA1):c.134+16T>C

Gene: BRCA1 (BRCA1 DNA repair associated; minus strand). Cytogenetic location: 17q21.31.
Variant type: single nucleotide variant.
Coding change: c.134+16T>C on transcript NM_007294.4 (MANE Select); 16 bases into the intron after coding-DNA position 134, T replaced by C.
Molecular consequence: intron variant.
Genome position (GRCh38, 1-based): chr17:43,115,710, A>G on the plus strand (T>C on the coding strand, the complement: BRCA1 is on the minus strand). VCF-style: chr17-43115710-A-G. GRCh37 (hg19) VCF-style: chr17-41267727-A-G.
Other names: c.-8+16T>C (NM_001408458.1, NM_001408470.1, NM_001407848.1 and 47 more transcripts); c.-219+9567T>C (NM_001407967.1); c.-170+9567T>C (NM_001407959.1); c.-7-9177T>C (NM_001407931.1, NM_001407747.1, NM_001408511.1 and 2 more transcripts); c.-170+16T>C (NM_001407962.1, NM_001408512.1, NM_001408510.1 and 1 more transcripts); c.-55+16T>C (NM_001407885.1, NM_001407886.1, NM_001408509.1 and 52 more transcripts); c.-124+16T>C (NM_001407746.1, NM_001408468.1, NM_001407842.1 and 13 more transcripts); c.-8+8307T>C (NM_001408461.1, NM_001407738.1, NM_001407932.1 and 23 more transcripts); and 10 more.
Identifiers: ClinVar variation 867852 (VCV000867852.3), dbSNP rs2055238665, ClinGen allele CA916080962.
Genomic context (GRCh38, chr17:43,115,710, plus strand): 5'-AAGTTAGGTGTTTCCTGGGTTATGAAGGACAAAAACAAAAGCTAATAATGGAGCCACATA[A>G]CACATTCAAACTTACTTGCAAAATATGTGGTCACACTTTGTGGAGACAGGTTCCTTGATC-3'